The following is an entry in ClinVar:

NM_000212.3(ITGB3):c.1697G>A (p.Gly566Asp)

Gene: ITGB3 (integrin subunit beta 3; plus strand). Cytogenetic location: 17q21.32.
Variant type: single nucleotide variant.
Coding change: c.1697G>A on transcript NM_000212.3 (MANE Select); coding-DNA position 1697, G replaced by A.
Protein change: p.Gly566Asp; replaces glycine 566 with aspartic acid.
Molecular consequence: missense variant.
Genome position (GRCh38, 1-based): chr17:47,299,314, G>A. VCF-style: chr17-47299314-G-A. GRCh37 (hg19) VCF-style: chr17-45376680-G-A.
Other names: short protein forms G566D.
Identifiers: ClinVar variation 977132 (VCV000977132.2), dbSNP rs2065157059, ClinGen allele CA400032338.
Genomic context (GRCh38, chr17:47,299,314, plus strand): 5'-ATGGGAGTGGAGCTCTCGCCAGCGGGTCCACCTTCCTGGGCTGTGTGTTTTCAGGCCATG[G>A]CCAGTGCAGCTGTGGGGACTGCCTGTGTGACTCCGACTGGACCGGCTACTACTGCAACTG-3'
Protein context (NP_000203.2, residues 556-576): RYKGEMCSGH[Gly566Asp]QCSCGDCLCD

ClinVar aggregate classification (germline): Pathogenic. Review status: reviewed by expert panel (3 of 4 stars). 2 submissions from 2 submitters: Pathogenic (1). 1 of the submissions does not count toward it. Last evaluated 2020-09-08.

Conditions:
Glanzmann thrombasthenia. Also called: Thrombasthenia; BLEEDING DISORDER, PLATELET-TYPE, 2; THROMBASTHENIA OF GLANZMANN AND NAEGELI; PLATELET GLYCOPROTEIN IIb-IIIa DEFICIENCY; Glanzmann's thrombasthenia. Identifiers: Orphanet 849, MedGen C0040015, MONDO:0100326.

Allele frequency attached by ClinVar (database versions not stated): gnomAD exomes below 0.00001; TOPMed below 0.00001.
gnomAD v4.1: 1 of 1,613,898 alleles (0.000062%); highest among the groups gnomAD compares: Non-Finnish European, 0.000085%; no homozygotes.

Submissions (2):

ClinGen Platelet Disorders Variant Curation Expert Panel, ClinGen
Classification: Pathogenic for Glanzmann thrombasthenia. Last evaluated: 2020-09-08. Review status: reviewed by expert panel. Criteria: ClinGen Platelet ACMG Specifications v2. Collection method: curation. Allele origin: germline. Inheritance: Autosomal recessive inheritance.
Comment: The NM_000212.3:c.1697G>A variant in ITGB3 resulting in a missense change, Gly566Asp, is absent from gnomAD v2.1.1 and v3 . It has a very high REVEL score of 0.99. It is reported in at least two unrelated probands, one of them homozygous and the other compound heterozygous with the Arg119Gln variant (PMID: 25728920, 27098940). Experimental studies show that the variant leads to complete absence of cell-surface expression of Î±IIbÎ²3, when expressed in CHO cells (PMID: 27098940). In summary, the variant meets criteria to be classified as pathogenic. GT-specific criteria met: PS3, PP4_Strong, PP3, PM2_Supporting, PM3_Supporting.

Departement d'Immunology Plaquettaire, Institut National de la Transfusion Sanguine
Classification: Pathogenic for Glanzmann thrombasthenia 1. Review status: criteria provided, single submitter. Criteria: ACMG Guidelines, 2015. Collection method: provider interpretation, research. Allele origin: germline. Inheritance: Autosomal recessive inheritance. Affected: yes. Observed: 16 variant alleles, 15 heterozygotes, 1 compound heterozygote, 10 homozygotes. Not counted in ClinVar's aggregate classification.
Comment: The variant alters the expression of the platelets fibrinogen receptor alphaIIb beta3

Literature cited by the submitters: PubMed 32139434 (cited by Departement d'Immunology Plaquettaire, Institut National de la Transfusion Sanguine); PubMed 16722529 (cited by Departement d'Immunology Plaquettaire, Institut National de la Transfusion Sanguine).